The following is an entry in ClinVar:

ClinVar aggregate classification (germline): Uncertain significance (1 of 4 stars; one submission).

Conditions:
Brown-Vialetto-van Laere syndrome 1. Also called: BULBAR PALSY, PROGRESSIVE, WITH SENSORINEURAL DEAFNESS; PONTOBULBAR PALSY WITH DEAFNESS; BROWN-VIALETTO-VAN LAERE SYNDROME 1, MILD. Identifiers: Orphanet 572550, Orphanet 97229, MedGen C0796274, MONDO:0024537, OMIM 211530.

Submission:

Labcorp Genetics (formerly Invitae), Labcorp
Classification: Uncertain significance for Brown-Vialetto-van Laere syndrome 1. Last evaluated: 2024-03-13. Review status: criteria provided, single submitter. Criteria: Invitae Variant Classification Sherloc (09022015). Collection method: clinical testing. Allele origin: germline.
Comment: This sequence change replaces aspartic acid, which is acidic and polar, with asparagine, which is neutral and polar, at codon 280 of the SLC52A3 protein (p.Asp280Asn). This variant is not present in population databases (gnomAD no frequency). This variant has not been reported in the literature in individuals affected with SLC52A3-related conditions. Advanced modeling of protein sequence and biophysical properties (such as structural, functional, and spatial information, amino acid conservation, physicochemical variation, residue mobility, and thermodynamic stability) performed at Invitae indicates that this missense variant is not expected to disrupt SLC52A3 protein function with a negative predictive value of 80%. In summary, the available evidence is currently insufficient to determine the role of this variant in disease. Therefore, it has been classified as a Variant of Uncertain Significance.

NM_033409.4(SLC52A3):c.838G>A (p.Asp280Asn)

Gene: SLC52A3 (solute carrier family 52 member 3; minus strand). Cytogenetic location: 20p13.
Variant type: single nucleotide variant.
Coding change: c.838G>A on transcript NM_033409.4 (MANE Select); coding-DNA position 838, G replaced by A.
Protein change: p.Asp280Asn; replaces aspartic acid 280 with asparagine.
Molecular consequence: missense variant.
Genome position (GRCh38, 1-based): chr20:763,733, C>T on the plus strand (G>A on the coding strand, the complement: SLC52A3 is on the minus strand). VCF-style: chr20-763733-C-T. GRCh37 (hg19) VCF-style: chr20-744377-C-T.
Other names: c.838G>A, p.Asp280Asn (NM_001370085.1, NM_001370086.1); short protein forms D280N.
Identifiers: ClinVar variation 3645805 (VCV003645805.2).